The following is an entry in ClinVar:

ClinVar aggregate classification (germline): Benign/Likely benign. Review status: criteria provided, multiple submitters, no conflicts (2 of 4 stars). 4 submissions from 4 submitters: Benign (2); Likely benign (2). Last evaluated 2026-02-01.

Allele frequency attached by ClinVar (database versions not stated): 1000 Genomes Project 30x 0.00344; 1000 Genomes Project 0.00359; gnomAD exomes 0.00439; TOPMed 0.00600; ExAC 0.00832.
gnomAD v4.1: 9,397 of 1,427,474 alleles (0.66%); highest among the groups gnomAD compares: Middle Eastern, 1.7%; 34 homozygotes.

Submissions (4):

Labcorp Genetics (formerly Invitae), Labcorp
Classification: Benign. Last evaluated: 2026-02-01. Review status: criteria provided, single submitter. Criteria: Invitae Variant Classification Sherloc (09022015). Collection method: clinical testing. Allele origin: germline.

CeGaT Center for Human Genetics Tuebingen
Classification: Likely benign. Last evaluated: 2025-08-01. Review status: criteria provided, single submitter. Criteria: CeGaT Center For Human Genetics Tuebingen Variant Classification Criteria Version 2. Collection method: clinical testing. Allele origin: germline. Affected: yes. Observed: 2 variant alleles.
Comment: C2CD3: BP4, BP7, BS2

Blueprint Genetics
Classification: Likely benign. Last evaluated: 2024-11-27. Review status: criteria provided, single submitter. Criteria: ACMG Guidelines, 2015. Collection method: clinical testing. Allele origin: germline.

Breakthrough Genomics
Classification: Benign. Review status: criteria provided, single submitter. Criteria: ACMG Guidelines, 2015. Collection method: not provided. Allele origin: germline. Inheritance: Autosomal recessive inheritance. Affected: yes.

NM_001286577.2(C2CD3):c.6984G>T (p.Ser2328=)

Gene: C2CD3 (C2 domain containing 3 centriole elongation regulator; minus strand). Cytogenetic location: 11q13.4.
Variant type: single nucleotide variant.
Coding change: c.6984G>T on transcript NM_001286577.2 (MANE Select); coding-DNA position 6984, G replaced by T.
Protein change: p.Ser2328=; no amino-acid change (serine 2328 retained).
Molecular consequence: synonymous variant.
Genome position (GRCh38, 1-based): chr11:74,013,463, C>A on the plus strand (G>T on the coding strand, the complement: C2CD3 is on the minus strand). VCF-style: chr11-74013463-C-A. GRCh37 (hg19) VCF-style: chr11-73724508-C-A.
Identifiers: ClinVar variation 778044 (VCV000778044.34), dbSNP rs61733219, ClinGen allele CA6181684.